The following is an entry in ClinVar:

ClinVar aggregate classification (germline): Uncertain significance (1 of 4 stars; one submission).

Allele frequency attached by ClinVar (database versions not stated): ExAC 0.00002; TOPMed 0.00002; gnomAD 0.00003; gnomAD exomes 0.00003.
gnomAD v4.1: 42 of 1,614,124 alleles (0.0026%); highest among the groups gnomAD compares: Non-Finnish European, 0.0034%; no homozygotes.

Submission:

Labcorp Genetics (formerly Invitae), Labcorp
Classification: Uncertain significance. Last evaluated: 2023-10-03. Review status: criteria provided, single submitter. Criteria: Invitae Variant Classification Sherloc (09022015). Collection method: clinical testing. Allele origin: germline.
Comment: This sequence change replaces asparagine, which is neutral and polar, with aspartic acid, which is acidic and polar, at codon 385 of the AGBL5 protein (p.Asn385Asp). This variant is present in population databases (rs757938018, gnomAD 0.008%). This variant has not been reported in the literature in individuals affected with AGBL5-related conditions. ClinVar contains an entry for this variant (Variation ID: 1948160). An algorithm developed to predict the effect of missense changes on protein structure and function (PolyPhen-2) suggests that this variant is likely to be tolerated. In summary, the available evidence is currently insufficient to determine the role of this variant in disease. Therefore, it has been classified as a Variant of Uncertain Significance.

NM_021831.6(AGBL5):c.1153A>G (p.Asn385Asp)

Gene: AGBL5 (AGBL carboxypeptidase 5; plus strand). Cytogenetic location: 2p23.3.
Variant type: single nucleotide variant.
Coding change: c.1153A>G on transcript NM_021831.6 (MANE Select); coding-DNA position 1153, A replaced by G.
Protein change: p.Asn385Asp; replaces asparagine 385 with aspartic acid.
Molecular consequence: missense variant. On other transcripts: non-coding transcript variant (2).
Genome position (GRCh38, 1-based): chr2:27,055,926, A>G. VCF-style: chr2-27055926-A-G. GRCh37 (hg19) VCF-style: chr2-27278794-A-G.
Other names: c.1153A>G, p.Asn385Asp (NM_001035506.1, NM_001035507.3); short protein forms N385D.
Identifiers: ClinVar variation 1948160 (VCV001948160.5), dbSNP rs757938018, ClinGen allele CA1567802.